The following is an entry in ClinVar:

ClinVar aggregate classification (germline): Benign. Review status: criteria provided, multiple submitters, no conflicts (2 of 4 stars). 4 submissions from 4 submitters: Benign (3). 1 of the submissions does not count toward it. Last evaluated 2025-10-29.

Conditions:
ABRAXAS1-related disorder. Also called: ABRAXAS1-related condition.

Allele frequency attached by ClinVar (database versions not stated): gnomAD below 0.00001 and 0.00029; TOPMed 0.00004; ESP Exome Variant Server 0.00008; gnomAD exomes 0.00063 and 0.00123; 1000 Genomes Project 0.00140; ExAC 0.00148; 1000 Genomes Project 30x 0.00156.

Submissions (5):

Labcorp Genetics (formerly Invitae), Labcorp
Classification: Benign. Last evaluated: 2025-10-29. Review status: criteria provided, single submitter. Criteria: Invitae Variant Classification Sherloc (09022015). Collection method: clinical testing. Allele origin: germline.

CeGaT Center for Human Genetics Tuebingen
Classification: Benign. Last evaluated: 2025-06-01. Review status: criteria provided, single submitter. Criteria: CeGaT Center For Human Genetics Tuebingen Variant Classification Criteria Version 2. Collection method: clinical testing. Allele origin: germline. Affected: yes. Observed: 1 variant allele.
Comment: ABRAXAS1: BP4, BP7, BS1, BS2

Women's Health and Genetics/Laboratory Corporation of America, LabCorp
Classification: Benign. Last evaluated: 2021-06-21. Review status: criteria provided, single submitter. Criteria: LabCorp Variant Classification Summary - May 2015. Collection method: clinical testing. Allele origin: germline.
Comment: Variant summary: FAM175A c.594C>T (p.His198His) alters a conserved nucleotide located close to a canonical splice site and therefore could affect mRNA splicing, leading to a significantly altered protein sequence. 3/4 computational tools predict no significant impact on normal splicing. However, these predictions have yet to be confirmed by functional studies. The variant allele was found at a frequency of 0.0012 in 249468 control chromosomes, predominantly at a frequency of 0.0098 within the South Asian subpopulation in the gnomAD database, including 6 homozygotes. The observed variant frequency within South Asian control individuals in the gnomAD database is approximately 314- fold the estimated maximal expected allele frequency for a pathogenic variant in FAM175A causing Hereditary Breast And Ovarian Cancer Syndrome phenotype (3.1e-05), strongly suggesting that the variant is a benign polymorphism found primarily in populations of South Asian origin. To our knowledge, no occurrence of c.594C>T in individuals affected with Hereditary Breast And Ovarian Cancer Syndrome and no experimental evidence demonstrating its impact on protein function have been reported. One clinical diagnostic laboratory has submitted clinical-significance assessments for this variant to ClinVar after 2014 without evidence for independent evaluation and cited the variant as benign. Based on the evidence outlined above, the variant was classified as benign.

PreventionGenetics, part of Exact Sciences
Classification: Benign for ABRAXAS1-related condition. Last evaluated: 2019-06-21. Review status: no assertion criteria provided. Collection method: clinical testing. Allele origin: germline. Not counted in ClinVar's aggregate classification.
Comment: This variant is classified as benign based on ACMG/AMP sequence variant interpretation guidelines (Richards et al. 2015 PMID: 25741868, with internal and published modifications).

Dr. Peter K. Rogan Lab, Western University
No classification provided (evidence only). Condition: Ovarian cancer. Review status: no classification provided. Collection method: in vitro. Allele origin: not applicable. Functional consequence: skipped exon. Not counted in ClinVar's aggregate classification.

NM_139076.3(ABRAXAS1):c.594C>T (p.His198=)

Gene: ABRAXAS1 (abraxas 1, BRCA1 A complex subunit; minus strand). Cytogenetic location: 4q21.23.
Variant type: single nucleotide variant.
Coding change: c.594C>T on transcript NM_139076.3 (MANE Select); coding-DNA position 594, C replaced by T.
Protein change: p.His198=; no amino-acid change (histidine 198 retained).
Molecular consequence: synonymous variant.
Genome position (GRCh38, 1-based): chr4:83,469,034, G>A on the plus strand (C>T on the coding strand, the complement: ABRAXAS1 is on the minus strand). VCF-style: chr4-83469034-G-A. GRCh37 (hg19) VCF-style: chr4-84390187-G-A.
Other names: c.267C>T, p.His89= (NM_001345962.2).
Identifiers: ClinVar variation 416706 (VCV000416706.26), dbSNP rs144724610, ClinGen allele CA2990514.